The following is an entry in ClinVar:

NM_176824.3(BBS7):c.1178G>C (p.Ser393Thr)

Gene: BBS7 (Bardet-Biedl syndrome 7; minus strand). Cytogenetic location: 4q27.
Variant type: single nucleotide variant.
Coding change: c.1178G>C on transcript NM_176824.3 (MANE Select); coding-DNA position 1178, G replaced by C.
Protein change: p.Ser393Thr; replaces serine 393 with threonine.
Molecular consequence: missense variant.
Genome position (GRCh38, 1-based): chr4:121,845,556, C>G on the plus strand (G>C on the coding strand, the complement: BBS7 is on the minus strand). VCF-style: chr4-121845556-C-G. GRCh37 (hg19) VCF-style: chr4-122766711-C-G.
Other names: c.1178G>C, p.Ser393Thr (NM_018190.4); short protein forms S393T.
Identifiers: ClinVar variation 4990915 (VCV004990915.1).

ClinVar aggregate classification (germline): Uncertain significance (1 of 4 stars; one submission).

Conditions:
BBS7-related disorder. Also called: BBS7-related condition.

Submission:

PreventionGenetics, part of Exact Sciences
Classification: Uncertain significance for BBS7-related condition. Last evaluated: 2026-07-29. Review status: criteria provided, single submitter. Criteria: ACMG Guidelines, 2015. Collection method: clinical testing. Allele origin: germline.
Comment: The BBS7 c.1178G>C variant is predicted to result in the amino acid substitution p.Ser393Thr. To our knowledge, this variant has not been reported in the literature or in a large population database (gnomAD), indicating this variant is rare. At this time, the clinical significance of this variant is uncertain due to the absence of conclusive functional and genetic evidence.